The following is an entry in ClinVar:

NM_030665.4(RAI1):c.420G>A (p.Lys140=)

Gene: RAI1 (retinoic acid induced 1; plus strand). Cytogenetic location: 17p11.2.
Variant type: single nucleotide variant.
Coding change: c.420G>A on transcript NM_030665.4 (MANE Select); coding-DNA position 420, G replaced by A.
Protein change: p.Lys140=; no amino-acid change (lysine 140 retained).
Molecular consequence: synonymous variant.
Genome position (GRCh38, 1-based): chr17:17,793,368, G>A. VCF-style: chr17-17793368-G-A. GRCh37 (hg19) VCF-style: chr17-17696682-G-A.
Identifiers: ClinVar variation 3348453 (VCV003348453.1).

ClinVar aggregate classification (germline): Likely benign (0 of 4 stars; one submission).

Conditions:
RAI1-related disorder. Also called: RAI1-related condition.

gnomAD v4.1: 2 of 1,613,242 alleles (0.00012%); highest among the groups gnomAD compares: Non-Finnish European, 0.00017%; no homozygotes.

Submission:

PreventionGenetics, part of Exact Sciences
Classification: Likely benign for RAI1-related condition. Last evaluated: 2023-11-01. Review status: no assertion criteria provided. Collection method: clinical testing. Allele origin: germline.
Comment: This variant is classified as likely benign based on ACMG/AMP sequence variant interpretation guidelines (Richards et al. 2015 PMID: 25741868, with internal and published modifications).